The following is an entry in ClinVar:

ClinVar aggregate classification (germline): Uncertain significance. Review status: criteria provided, single submitter (1 of 4 stars). 2 submissions from 2 submitters: Uncertain significance (1). 1 of the submissions does not count toward it. Last evaluated 2021-08-30.

Conditions:
McKusick-Kaufman syndrome (MKKS). Also called: HYDROMETROCOLPOS SYNDROME; HYDROMETROCOLPOS, POSTAXIAL POLYDACTYLY, AND CONGENITAL HEART MALFORMATION. Identifiers: Orphanet 2473, MedGen C0948368, MONDO:0009367, OMIM 236700.
Bardet-Biedl syndrome (BBS). Identifiers: Orphanet 110, MedGen C0752166, MONDO:0015229.
MKKS-related disorder. Also called: MKKS-related condition; MKKS-related disorders.

Allele frequency attached by ClinVar (database versions not stated): gnomAD exomes 0.00001; ExAC 0.00001.
gnomAD v4.1: 4 of 1,614,150 alleles (0.00025%); highest among the groups gnomAD compares: Admixed American, 0.0033%; no homozygotes.

Submissions (2):

Labcorp Genetics (formerly Invitae), Labcorp
Classification: Uncertain significance for McKusick-Kaufman syndrome; Bardet-Biedl syndrome. Last evaluated: 2021-08-30. Review status: criteria provided, single submitter. Criteria: Invitae Variant Classification Sherloc (09022015). Collection method: clinical testing. Allele origin: germline.
Comment: This sequence change replaces cysteine with tyrosine at codon 245 of the MKKS protein (p.Cys245Tyr). The cysteine residue is highly conserved and there is a large physicochemical difference between cysteine and tyrosine. This variant is present in population databases (rs771767882, ExAC 0.009%). This variant has not been reported in the literature in individuals affected with MKKS-related conditions. Algorithms developed to predict the effect of missense changes on protein structure and function are either unavailable or do not agree on the potential impact of this missense change (SIFT: "Deleterious"; PolyPhen-2: "Benign"; Align-GVGD: "Class C15"). In summary, the available evidence is currently insufficient to determine the role of this variant in disease. Therefore, it has been classified as a Variant of Uncertain Significance.

PreventionGenetics, part of Exact Sciences
Classification: Uncertain significance for MKKS-related condition. Last evaluated: 2024-04-02. Review status: no assertion criteria provided. Collection method: clinical testing. Allele origin: germline. Not counted in ClinVar's aggregate classification.
Comment: The MKKS c.734G>A variant is predicted to result in the amino acid substitution p.Cys245Tyr. To our knowledge, this variant has not been reported in the literature. This variant is reported in 0.0058% of alleles in individuals of Latino descent in gnomAD. At this time, the clinical significance of this variant is uncertain due to the absence of conclusive functional and genetic evidence.

NM_170784.3(MKKS):c.734G>A (p.Cys245Tyr)

Gene: MKKS (MKKS centrosomal shuttling protein; minus strand). Cytogenetic location: 20p12.2.
Variant type: single nucleotide variant.
Coding change: c.734G>A on transcript NM_170784.3 (MANE Select); coding-DNA position 734, G replaced by A.
Protein change: p.Cys245Tyr; replaces cysteine 245 with tyrosine.
Molecular consequence: missense variant.
Genome position (GRCh38, 1-based): chr20:10,412,781, C>T on the plus strand (G>A on the coding strand, the complement: MKKS is on the minus strand). VCF-style: chr20-10412781-C-T. GRCh37 (hg19) VCF-style: chr20-10393429-C-T.
Other names: c.734G>A, p.Cys245Tyr (NM_018848.3); short protein forms C245Y.
Identifiers: ClinVar variation 1059559 (VCV001059559.7), dbSNP rs771767882, ClinGen allele CA9763638.